The following is an entry in ClinVar:

NM_001253852.3(AP4B1):c.1870C>G (p.Arg624Gly)

Genes: AP4B1 (adaptor related protein complex 4 subunit beta 1; minus strand), AP4B1-AS1 (AP4B1 antisense RNA 1; plus strand). Cytogenetic location: 1p13.2.
Variant type: single nucleotide variant.
Coding change: c.1870C>G on transcript NM_001253852.3 (MANE Select); coding-DNA position 1870, C replaced by G.
Protein change: p.Arg624Gly; replaces arginine 624 with glycine.
Molecular consequence: missense variant.
Genome position (GRCh38, 1-based): chr1:113,895,415, G>C on the plus strand (C>G on the coding strand, the complement: AP4B1 is on the minus strand). VCF-style: chr1-113895415-G-C. GRCh37 (hg19) VCF-style: chr1-114438037-G-C.
Other names: c.1573C>G, p.Arg525Gly (NM_001253853.3); c.1366C>G, p.Arg456Gly (NM_001308312.2); c.1870C>G, p.Arg624Gly (NM_006594.5); short protein forms R525G, R456G, R624G.
Identifiers: ClinVar variation 1032463 (VCV001032463.1), dbSNP rs368828060, ClinGen allele CA1015681.

ClinVar aggregate classification (germline): Uncertain significance (1 of 4 stars; one submission).

Conditions:
Hereditary spastic paraplegia 47. Also called: Spastic paraplegia 47, autosomal recessive; adaptor protein 4 (AP-4) deficiency syndrome; CEREBRAL PALSY, SPASTIC QUADRIPLEGIC, 5. Identifiers: Orphanet 280763, MedGen C3279738, MONDO:0013551, OMIM 614066.

gnomAD v4.1: 22 of 1,614,190 alleles (0.0014%); highest among the groups gnomAD compares: South Asian, 0.024%; no homozygotes.

Submission:

Baylor Genetics
Classification: Uncertain significance for Hereditary spastic paraplegia 47. Last evaluated: 2018-02-23. Review status: criteria provided, single submitter. Criteria: ACMG Guidelines, 2015. Collection method: clinical testing. Allele origin: maternal. Affected: yes.
Comment: This variant was determined to be of uncertain significance according to ACMG Guidelines, 2015 [PMID:25741868].